The following is an entry in ClinVar:

NM_006940.6(SOX5):c.1428dup (p.Leu477fs)

Gene: SOX5 (SRY-box transcription factor 5; minus strand). Cytogenetic location: 12p12.1.
Variant type: Duplication.
Coding change: c.1428dup on transcript NM_006940.6 (MANE Select); coding-DNA position 1428, one base duplicated (G; older notation c.1428dupG).
Protein change: p.Leu477fs; shifts the reading frame from leucine 477.
Molecular consequence: frameshift variant. On other transcripts: intron variant (1).
Genome position (GRCh38, 1-based): chr12:23,563,318, C duplicated on the plus strand (G on the coding strand, the reverse complement: SOX5 is on the minus strand). VCF-style (leftmost placement, unchanged base first): chr12-23563317-G-GC. GRCh37 (hg19) VCF-style: chr12-23716251-G-GC.
Other names: c.1398dup, p.Leu467fs (NM_001261415.3); c.1323dup, p.Leu442fs (NM_001330785.2); c.1389dup, p.Leu464fs (NM_152989.5); c.270dup, p.Leu91fs (NM_178010.4); c.1126-16894dup (NM_001261414.3); short protein forms L442fs, L464fs, L467fs, L477fs, L91fs.
Identifiers: ClinVar variation 4854345 (VCV004854345.1).

ClinVar aggregate classification (germline): Likely pathogenic (1 of 4 stars; one submission).

Conditions:
Lamb-Shaffer syndrome. Identifiers: Orphanet 313884, Orphanet 313892, Orphanet 530983, MedGen C4225202, MONDO:0014778, OMIM 616803.

Submission:

3billion
Classification: Likely pathogenic for Lamb-Shaffer syndrome. Last evaluated: 2025-10-28. Review status: criteria provided, single submitter. Criteria: ACMG Guidelines, 2015. Collection method: clinical testing. Allele origin: germline. Affected: yes.
Comment: The variant is not observed in the gnomAD v4.1.0 dataset. Predicted Consequence/Location: Frameshift: predicted to result in a loss or disruption of normal protein function through nonsense-mediated decay (NMD) or protein truncation. Multiple pathogenic variants are reported downstream of the variant. Therefore, this variant is classified as Likely pathogenic according to the recommendation of ACMG/AMP guideline.